The following is an entry in ClinVar:

ClinVar aggregate classification (germline): Uncertain significance (1 of 4 stars; one submission).

Conditions:
Inborn genetic diseases. Identifiers: MedGen C0950123, MeSH D030342.

Submission:

Ambry Genetics
Classification: Uncertain significance for Inborn genetic diseases. Last evaluated: 2025-03-29. Review status: criteria provided, single submitter. Criteria: Ambry Variant Classification Scheme 2023. Collection method: clinical testing. Allele origin: germline.
Comment: The p.T1010A variant (also known as c.3028A>G), located in coding exon 30 of the RTEL1 gene, results from an A to G substitution at nucleotide position 3028. The threonine at codon 1010 is replaced by alanine, an amino acid with similar properties. This amino acid position is conserved. In addition, this alteration is predicted to be tolerated by in silico analysis. Based on the available evidence, the clinical significance of this variant remains unclear.

NM_001283009.2(RTEL1):c.3028A>G (p.Thr1010Ala)

Genes: RTEL1 (regulator of telomere elongation helicase 1; plus strand), RTEL1-TNFRSF6B (RTEL1-TNFRSF6B readthrough (NMD candidate); plus strand). Cytogenetic location: 20q13.33.
Variant type: single nucleotide variant.
Coding change: c.3028A>G on transcript NM_001283009.2 (MANE Select); coding-DNA position 3028, A replaced by G.
Protein change: p.Thr1010Ala; replaces threonine 1010 with alanine.
Molecular consequence: missense variant. On other transcripts: non-coding transcript variant (1).
Genome position (GRCh38, 1-based): chr20:63,694,407, A>G. VCF-style: chr20-63694407-A-G. GRCh37 (hg19) VCF-style: chr20-62325760-A-G.
Other names: c.2359A>G, p.Thr787Ala (NM_001283010.1); c.3028A>G, p.Thr1010Ala (NM_016434.4); c.3100A>G, p.Thr1034Ala (NM_032957.5); short protein forms T787A, T1010A, T1034A.
Identifiers: ClinVar variation 3948268 (VCV003948268.1).